The following is an entry in ClinVar:

NM_022455.5(NSD1):c.365C>T (p.Thr122Ile)

Gene: NSD1 (nuclear receptor binding SET domain protein 1; plus strand). Cytogenetic location: 5q35.3.
Variant type: single nucleotide variant.
Coding change: c.365C>T on transcript NM_022455.5 (MANE Select); coding-DNA position 365, C replaced by T.
Protein change: p.Thr122Ile; replaces threonine 122 with isoleucine.
Molecular consequence: missense variant. On other transcripts: intron variant (7).
Genome position (GRCh38, 1-based): chr5:177,135,468, C>T. VCF-style: chr5-177135468-C-T. GRCh37 (hg19) VCF-style: chr5-176562469-C-T.
Other names: c.365C>T, p.Thr122Ile (NM_001409301.1, NM_001409302.1, NM_001409303.1 and 1 more transcripts); c.-37+268C>T (NM_001409305.1, NM_001409306.1, NM_001409308.1 and 4 more transcripts); short protein forms T122I.
Identifiers: ClinVar variation 3905799 (VCV003905799.10).
Genomic context (GRCh38, chr5:177,135,468, plus strand): 5'-AAAGTGATTCAAGAGCTCAGACGCCAATTGTTTGCACTTCCTTGAGTCCTGGTGGTCCTA[C>T]AGCACTTGCTATGAAACAGGAACCCTCTTGTAATAACTCCCCTGAACTCCAGGTAAAAGT-3'
Protein context (NP_071900.2, residues 112-132): VCTSLSPGGP[Thr122Ile]ALAMKQEPSC

ClinVar aggregate classification (germline): Uncertain significance (1 of 4 stars; one submission).

Submission:

CeGaT Center for Human Genetics Tuebingen
Classification: Uncertain significance. Last evaluated: 2025-05-01. Review status: criteria provided, single submitter. Criteria: CeGaT Center For Human Genetics Tuebingen Variant Classification Criteria Version 2. Collection method: clinical testing. Allele origin: germline. Affected: yes. Observed: 1 variant allele.
Comment: NSD1: PM2